The following is an entry in ClinVar:

NM_001374828.1(ARID1B):c.325A>G (p.Lys109Glu)

Genes: ARID1B (AT-rich interaction domain 1B; plus strand), LOC115308161 (uncharacterized LOC115308161; minus strand), LOC129997523 (ATAC-STARR-seq lymphoblastoid silent region 17710; plus strand). Cytogenetic location: 6q25.3.
Variant type: single nucleotide variant.
Coding change: c.325A>G on transcript NM_001374828.1 (MANE Select); coding-DNA position 325, A replaced by G.
Protein change: p.Lys109Glu; replaces lysine 109 with glutamic acid.
Molecular consequence: missense variant.
Genome position (GRCh38, 1-based): chr6:156,778,005, A>G. VCF-style: chr6-156778005-A-G. GRCh37 (hg19) VCF-style: chr6-157099139-A-G.
Other names: c.325A>G, p.Lys109Glu (NM_001371656.1, NM_001374820.1, NM_017519.3); short protein forms K109E.
Identifiers: ClinVar variation 3653038 (VCV003653038.2).

ClinVar aggregate classification (germline): Uncertain significance (1 of 4 stars; one submission).

Submission:

Labcorp Genetics (formerly Invitae), Labcorp
Classification: Uncertain significance. Last evaluated: 2024-07-30. Review status: criteria provided, single submitter. Criteria: Invitae Variant Classification Sherloc (09022015). Collection method: clinical testing. Allele origin: germline.
Comment: This sequence change replaces lysine, which is basic and polar, with glutamic acid, which is acidic and polar, at codon 26 of the ARID1B protein (p.Lys26Glu). This variant is not present in population databases (gnomAD no frequency). This variant has not been reported in the literature in individuals affected with ARID1B-related conditions. Experimental studies and prediction algorithms are not available or were not evaluated, and the functional significance of this variant is currently unknown. In summary, the available evidence is currently insufficient to determine the role of this variant in disease. Therefore, it has been classified as a Variant of Uncertain Significance.